The following is an entry in ClinVar:

ClinVar aggregate classification (germline): Uncertain significance (1 of 4 stars; one submission).

Submission:

GeneDx
Classification: Uncertain significance. Last evaluated: 2025-03-17. Review status: criteria provided, single submitter. Criteria: GeneDx Variant Classification Process June 2021. Collection method: clinical testing. Allele origin: germline. Affected: yes.
Comment: Not observed at significant frequency in large population cohorts (gnomAD); In silico analysis supports a deleterious effect on protein structure/function; Has not been previously published as pathogenic or benign to our knowledge

NM_000540.3(RYR1):c.7871_7872delinsAT (p.Arg2624His)

Gene: RYR1 (ryanodine receptor 1; plus strand). Cytogenetic location: 19q13.2.
Variant type: Indel.
Coding change: c.7871_7872delinsAT on transcript NM_000540.3 (MANE Select); coding-DNA positions 7871 to 7872, GC replaced by AT.
Protein change: p.Arg2624His; replaces arginine 2624 with histidine.
Molecular consequence: missense variant.
Genome position (GRCh38, 1-based): chr19:38,502,915-38,502,916, GC replaced by AT. VCF-style: chr19-38502915-GC-AT. GRCh37 (hg19) VCF-style: chr19-38993555-GC-AT.
Other names: c.7871_7872delGCinsAT, p.Arg2624His (NM_000540.2); c.7871_7872delinsAT, p.Arg2624His (NM_001042723.2); short protein forms R2624H.
Identifiers: ClinVar variation 4086745 (VCV004086745.1).